The following is an entry in ClinVar:

ClinVar aggregate classification (germline): Likely benign (0 of 4 stars; one submission).

Conditions:
PLXNA1-related disorder. Also called: PLXNA1-related condition.

gnomAD v4.1: 2 of 1,613,836 alleles (0.00012%); highest among the groups gnomAD compares: African/African-American, 0.0013%; no homozygotes.

Submission:

PreventionGenetics, part of Exact Sciences
Classification: Likely benign for PLXNA1-related condition. Last evaluated: 2023-04-24. Review status: no assertion criteria provided. Collection method: clinical testing. Allele origin: germline.
Comment: This variant is classified as likely benign based on ACMG/AMP sequence variant interpretation guidelines (Richards et al. 2015 PMID: 25741868, with internal and published modifications).

NM_032242.4(PLXNA1):c.3048C>T (p.Pro1016=)

Gene: PLXNA1 (plexin A1; plus strand). Cytogenetic location: 3q21.3.
Variant type: single nucleotide variant.
Coding change: c.3048C>T on transcript NM_032242.4 (MANE Select); coding-DNA position 3048, C replaced by T.
Protein change: p.Pro1016=; no amino-acid change (proline 1016 retained).
Molecular consequence: synonymous variant.
Genome position (GRCh38, 1-based): chr3:127,016,550, C>T. VCF-style: chr3-127016550-C-T. GRCh37 (hg19) VCF-style: chr3-126735393-C-T.
Identifiers: ClinVar variation 3358473 (VCV003358473.1).